The following is an entry in ClinVar:

ClinVar aggregate classification (germline): Conflicting classifications of pathogenicity. Review status: criteria provided, conflicting classifications (1 of 4 stars). 4 submissions from 4 submitters: Uncertain significance (2); Likely benign (2). Last evaluated 2026-01-05.

Conditions:
Cardiovascular phenotype. Identifiers: MedGen CN230736.
Catecholaminergic polymorphic ventricular tachycardia 1. Also called: RYR2-Related Catecholaminergic Polymorphic Ventricular Tachycardia; VENTRICULAR TACHYCARDIA, CATECHOLAMINERGIC POLYMORPHIC, 1, WITH OR WITHOUT ATRIAL DYSFUNCTION AND/OR DILATED CARDIOMYOPATHY; VENTRICULAR TACHYCARDIA, STRESS-INDUCED POLYMORPHIC 1. Identifiers: Orphanet 3286, MedGen C1631597, MONDO:0011484, OMIM 604772.
Cardiomyopathy (CMYO). Also called: Cardiomyopathies. Identifiers: Orphanet 167848, MedGen C0878544, MONDO:0004994, HP:0001638. Inheritance: Various modes of inheritance.

Allele frequency attached by ClinVar (database versions not stated): gnomAD 0.00002 and 0.00003; ExAC 0.00004; TOPMed 0.00004; gnomAD exomes 0.00007 and 0.00009; ESP Exome Variant Server 0.00017.
gnomAD v4.1: 104 of 1,555,894 alleles (0.0067%); highest among the groups gnomAD compares: South Asian, 0.036%; no homozygotes.

Submissions (4):

Labcorp Genetics (formerly Invitae), Labcorp
Classification: Likely benign for Catecholaminergic polymorphic ventricular tachycardia 1. Last evaluated: 2026-01-05. Review status: criteria provided, single submitter. Criteria: Invitae Variant Classification Sherloc (09022015). Collection method: clinical testing. Allele origin: germline.

Ambry Genetics
Classification: Uncertain significance for Cardiovascular phenotype. Last evaluated: 2025-04-23. Review status: criteria provided, single submitter. Criteria: Ambry Variant Classification Scheme 2023. Collection method: clinical testing. Allele origin: germline.
Comment: The p.I3029V variant (also known as c.9085A>G), located in coding exon 64 of the RYR2 gene, results from an A to G substitution at nucleotide position 9085. The isoleucine at codon 3029 is replaced by valine, an amino acid with highly similar properties. This amino acid position is well conserved in available vertebrate species. In addition, this alteration is predicted to be tolerated by in silico analysis. Since supporting evidence is limited at this time, the clinical significance of this alteration remains unclear.

Color Diagnostics, LLC DBA Color Health
Classification: Likely benign for Cardiomyopathy. Last evaluated: 2018-11-09. Review status: criteria provided, single submitter. Criteria: ACMG Guidelines, 2015. Collection method: clinical testing. Allele origin: germline.

GeneDx
Classification: Uncertain significance. Last evaluated: 2013-01-16. Review status: criteria provided, single submitter. Criteria: GeneDx Variant Classification (06012015). Collection method: clinical testing. Allele origin: germline. Affected: yes.
Comment: p.Ile3029Val (ATT>GTT): c.9085 A>G in exon 64 of the RYR2 gene (NM_001035.2). The Ile3029Val variant in the RYR2 gene has not been reported as a disease-causing mutation or as a benign polymorphism to our knowledge. Ile3029Val results in a conservative amino acid substitution of one non-polar amino acid with another at a position that is conserved across species. The Ile3029Val variant was not observed with any significant frequency in approximately 6,000 individuals of European and African American ancestry in the NHLBI Exome Sequencing Project. However, in silico analysis predicts Ile3029Val is benign to the protein structure/function. Also, no mutations in nearby codons have been reported in association with CPVT, and Ile3029Val does not occur in one of the mutation hotspot regions of the RYR2 gene (Medeiros-Domingo A et al., 2009). We cannot definitively determine if Ile3029Val is a disease-causing mutation or a rare benign variant. The variant is found in CPVT panel(s).

NM_001035.3(RYR2):c.9085A>G (p.Ile3029Val)

Gene: RYR2 (ryanodine receptor 2; plus strand). Cytogenetic location: 1q43.
Variant type: single nucleotide variant.
Coding change: c.9085A>G on transcript NM_001035.3 (MANE Select); coding-DNA position 9085, A replaced by G.
Protein change: p.Ile3029Val; replaces isoleucine 3029 with valine.
Molecular consequence: missense variant.
Genome position (GRCh38, 1-based): chr1:237,698,982, A>G. VCF-style: chr1-237698982-A-G. GRCh37 (hg19) VCF-style: chr1-237862282-A-G.
Other names: p.I3029V:ATT>GTT; c.9085A>G, p.Ile3029Val (LRG_402t1); short protein forms I3029V.
Identifiers: ClinVar variation 201290 (VCV000201290.22), dbSNP rs370141970, ClinGen allele CA011117.